The following is an entry in ClinVar:

ClinVar aggregate classification (germline): Pathogenic (1 of 4 stars; one submission).

Conditions:
Fanconi anemia (FA). Also called: Fanconi's anemia. Identifiers: Orphanet 84, MedGen C0015625, MeSH D005199, MONDO:0019391.

Submission:

Labcorp Genetics (formerly Invitae), Labcorp
Classification: Pathogenic for Fanconi anemia. Last evaluated: 2023-02-14. Review status: criteria provided, single submitter. Criteria: Invitae Variant Classification Sherloc (09022015). Collection method: clinical testing. Allele origin: germline.
Comment: This sequence change creates a premature translational stop signal (p.Glu247*) in the FANCI gene. It is expected to result in an absent or disrupted protein product. Loss-of-function variants in FANCI are known to be pathogenic (PMID: 17452773, 17460694). This variant is not present in population databases (gnomAD no frequency). This variant has not been reported in the literature in individuals affected with FANCI-related conditions. For these reasons, this variant has been classified as Pathogenic.

Literature cited by the submitters: PubMed 17452773; PubMed 17460694.

NM_001113378.2(FANCI):c.739G>T (p.Glu247Ter)

Gene: FANCI (FA complementation group I; plus strand). Cytogenetic location: 15q26.1.
Variant type: single nucleotide variant.
Coding change: c.739G>T on transcript NM_001113378.2 (MANE Select); coding-DNA position 739, G replaced by T.
Protein change: p.Glu247Ter; replaces glutamic acid 247 with a stop codon.
Molecular consequence: nonsense.
Genome position (GRCh38, 1-based): chr15:89,264,591, G>T. VCF-style: chr15-89264591-G-T. GRCh37 (hg19) VCF-style: chr15-89807822-G-T.
Other names: c.460G>T, p.Glu154Ter (NM_001376910.1); c.739G>T, p.Glu247Ter (NM_001376911.1, NM_018193.3); short protein forms E154*, E247*.
Identifiers: ClinVar variation 2837329 (VCV002837329.3), dbSNP rs2505984539, ClinGen allele CA393739611.